The following is an entry in ClinVar:

NM_000157.4(GBA1):c.1256A>C (p.Asp419Ala)

Genes: GBA1 (glucosylceramidase beta 1; minus strand), LOC106627981 (GBA recombination region; plus strand). Cytogenetic location: 1q22.
Variant type: single nucleotide variant.
Coding change: c.1256A>C on transcript NM_000157.4 (MANE Select); coding-DNA position 1256, A replaced by C.
Protein change: p.Asp419Ala; replaces aspartic acid 419 with alanine.
Molecular consequence: missense variant.
Genome position (GRCh38, 1-based): chr1:155,235,813, T>G on the plus strand (A>C on the coding strand, the complement: GBA1 is on the minus strand). VCF-style: chr1-155235813-T-G. GRCh37 (hg19) VCF-style: chr1-155205604-T-G.
Other names: c.1256A>C (NM_000157.3); c.1256A>C, p.Asp419Ala (NM_001005741.3, NM_001005742.3); c.995A>C, p.Asp332Ala (NM_001171811.2); c.1109A>C, p.Asp370Ala (NM_001171812.2); short protein forms D332A, D370A, D419A.
Identifiers: ClinVar variation 3384739 (VCV003384739.2).

ClinVar aggregate classification (germline): Likely pathogenic. Review status: criteria provided, multiple submitters, no conflicts (2 of 4 stars). 2 submissions from 2 submitters: Likely pathogenic (2). Last evaluated 2025-12-08.

Conditions:
Gaucher disease. Also called: Acute cerebral Gaucher disease; Cerebroside lipidosis syndrome; Gaucher splenomegaly; Sphingolipidosis 1; Glucocerebrosidosis; Glucosylceramidase deficiency. Identifiers: Orphanet 355, MedGen C0017205, MONDO:0018150.

gnomAD v4.1: 8 of 1,614,186 alleles (0.0005%); highest among the groups gnomAD compares: Non-Finnish European, 0.00068%; no homozygotes.

Submissions (2):

Natera, Inc.
Classification: Likely pathogenic for Gaucher disease. Last evaluated: 2025-12-08. Review status: criteria provided, single submitter. Criteria: Natera Variant Classification Schema (03/2026). Collection method: clinical testing. Allele origin: germline.
Comment: The c.1256A>C variant in GBA1 is a missense variant predicted to cause substitution of aspartic acid to alanine at amino acid 419. This variant is rare in the general population with a frequency below the threshold expected for the associated phenotype(s). This variant has been observed in one or more individuals affected with the associated recessive disease, as either homozygous or compound heterozygous with a second variant (PMID: 34649574). A different variant at the same position has been determined to be Pathogenic or Likely Pathogenic. Computational prediction algorithms indicate this variant is likely to affect gene or protein function. Given the available evidence, this variant is classified as Likely Pathogenic.

Women's Health and Genetics/Laboratory Corporation of America, LabCorp
Classification: Likely pathogenic for Gaucher disease. Last evaluated: 2024-10-11. Review status: criteria provided, single submitter. Criteria: LabCorp Variant Classification Summary - May 2015. Collection method: clinical testing. Allele origin: germline.
Comment: Variant summary: GBA1 c.1256A>C (p.Asp419Ala) results in a non-conservative amino acid change located in the Glycosyl hydrolase family 30, TIM-barrel domain (IPR033453) of the encoded protein sequence. Five of five in-silico tools predict a damaging effect of the variant on protein function. The variant allele was found at a frequency of 5e-06 in 1614186 control chromosomes. c.1256A>C has been reported in the literature in the compound heterozygous state in individuals affected with Gaucher Disease (Walley_1993, Saville_2020, Mao_2001, DAmore_2021). These data indicate that the variant is likely to be associated with disease. The following publications have been ascertained in the context of this evaluation (PMID: 34649574, 11243731, 31707742, 8268935). No submitters have cited clinical-significance assessments for this variant to ClinVar. Based on the evidence outlined above, the variant was classified as likely pathogenic.

Literature cited by the submitters: PubMed 34649574 (cited by Natera, Inc. and Women's Health and Genetics/Laboratory Corporation of America, LabCorp); PubMed 11243731 (cited by Women's Health and Genetics/Laboratory Corporation of America, LabCorp); PubMed 31707742 (cited by Women's Health and Genetics/Laboratory Corporation of America, LabCorp); PubMed 8268935 (cited by Women's Health and Genetics/Laboratory Corporation of America, LabCorp).